The following is an entry in ClinVar:

NM_000426.4(LAMA2):c.7520A>G (p.Asn2507Ser)

Gene: LAMA2 (laminin subunit alpha 2; plus strand). Cytogenetic location: 6q22.33.
Variant type: single nucleotide variant.
Coding change: c.7520A>G on transcript NM_000426.4 (MANE Select); coding-DNA position 7520, A replaced by G.
Protein change: p.Asn2507Ser; replaces asparagine 2507 with serine.
Molecular consequence: missense variant.
Genome position (GRCh38, 1-based): chr6:129,478,761, A>G. VCF-style: chr6-129478761-A-G. GRCh37 (hg19) VCF-style: chr6-129799906-A-G.
Other names: c.7508A>G, p.Asn2503Ser (NM_001079823.2); short protein forms N2503S, N2507S.
Identifiers: ClinVar variation 2193512 (VCV002193512.1), dbSNP rs2533471822, ClinGen allele CA365626681.
Genomic context (GRCh38, chr6:129,478,761, plus strand): 5'-TAAATCTGAAGAAATATTCCGGCTGCCTCAAAGATATTGAAATTTCAAGAACTCCGTACA[A>G]TATACTCAGTAGTCCCGATTATGTTGGTGTTACCAAAGGATGTTCCCTGGAGGTTGGTCT-3'
Protein context (NP_000417.3, residues 2497-2517): KDIEISRTPY[Asn2507Ser]ILSSPDYVGV

ClinVar aggregate classification (germline): Uncertain significance (1 of 4 stars; one submission).

Conditions:
LAMA2-related muscular dystrophy (LAMA2-RD). Also called: Laminin alpha 2-related dystrophy. Identifiers: MedGen C5679788, MONDO:0100228.

Allele frequency attached by ClinVar (database versions not stated): gnomAD exomes below 0.00001.
gnomAD v4.1: 4 of 1,612,874 alleles (0.00025%); highest among the groups gnomAD compares: Non-Finnish European, 0.00034%; no homozygotes.

Submission:

Labcorp Genetics (formerly Invitae), Labcorp
Classification: Uncertain significance for LAMA2-related muscular dystrophy. Last evaluated: 2022-06-19. Review status: criteria provided, single submitter. Criteria: Invitae Variant Classification Sherloc (09022015). Collection method: clinical testing. Allele origin: germline.
Comment: This sequence change replaces asparagine, which is neutral and polar, with serine, which is neutral and polar, at codon 2507 of the LAMA2 protein (p.Asn2507Ser). This variant is not present in population databases (gnomAD no frequency). This variant has not been reported in the literature in individuals affected with LAMA2-related conditions. Advanced modeling of protein sequence and biophysical properties (such as structural, functional, and spatial information, amino acid conservation, physicochemical variation, residue mobility, and thermodynamic stability) performed at Invitae indicates that this missense variant is not expected to disrupt LAMA2 protein function. In summary, the available evidence is currently insufficient to determine the role of this variant in disease. Therefore, it has been classified as a Variant of Uncertain Significance.